The following is an entry in ClinVar:

ClinVar aggregate classification (germline): Likely pathogenic (1 of 4 stars; one submission).

Conditions:
Fanconi anemia complementation group C (FANCC). Also called: FANCC-Related Fanconi Anemia; Fanconi anemia, group C; FANCONI PANCYTOPENIA, TYPE 3; FACC. Identifiers: Orphanet 84, MedGen C3468041, MONDO:0009213, OMIM 227645.

Submission:

Myriad Genetics, Inc.
Classification: Likely pathogenic for Fanconi anemia complementation group C. Last evaluated: 2022-02-17. Review status: criteria provided, single submitter. Criteria: Myriad Women's Health Autosomal Recessive and X-Linked Classification Criteria (2021). Collection method: clinical testing. Allele origin: unknown.
Comment: NM_000136.2(FANCC):c.249T>A(Y83*) is expected to be pathogenic in the context of Fanconi anemia, FANCC-related. This variant is predicted to lead to an abnormal or absent protein product due to the creation of a premature termination codon in FANCC, a gene where loss-of-function variants are known to be pathogenic. Please note: this variant was assessed in the context of healthy population screening.

NM_000136.3(FANCC):c.249T>A (p.Tyr83Ter)

Gene: FANCC (FA complementation group C; minus strand). Cytogenetic location: 9q22.32.
Variant type: single nucleotide variant.
Coding change: c.249T>A on transcript NM_000136.3 (MANE Select); coding-DNA position 249, T replaced by A.
Protein change: p.Tyr83Ter; replaces tyrosine 83 with a stop codon.
Molecular consequence: nonsense.
Genome position (GRCh38, 1-based): chr9:95,247,433, A>T on the plus strand (T>A on the coding strand, the complement: FANCC is on the minus strand). VCF-style: chr9-95247433-A-T. GRCh37 (hg19) VCF-style: chr9-98009715-A-T.
Other names: c.249T>A, p.Tyr83Ter (NM_001243743.2, NM_001243744.2); short protein forms Y83*.
Identifiers: ClinVar variation 1724510 (VCV001724510.2), dbSNP rs2542842484, ClinGen allele CA374339989.